The following is an entry in ClinVar:

NM_000180.4(GUCY2D):c.767A>C (p.Gln256Pro)

Gene: GUCY2D (guanylate cyclase 2D, retinal; plus strand). Cytogenetic location: 17p13.1.
Variant type: single nucleotide variant.
Coding change: c.767A>C on transcript NM_000180.4 (MANE Select); coding-DNA position 767, A replaced by C.
Protein change: p.Gln256Pro; replaces glutamine 256 with proline.
Molecular consequence: missense variant.
Genome position (GRCh38, 1-based): chr17:8,003,897, A>C. VCF-style: chr17-8003897-A-C. GRCh37 (hg19) VCF-style: chr17-7907215-A-C.
Other names: short protein forms Q256P.
Identifiers: ClinVar variation 1490869 (VCV001490869.6), dbSNP rs2151799650, ClinGen allele CA397945116.

ClinVar aggregate classification (germline): Uncertain significance (1 of 4 stars; one submission).

Conditions:
Leber congenital amaurosis 1 (LCA1). Also called: Congenital absence of the rods and cones; Leber's congenital tapetoretinal degeneration; Leber's congenital tapetoretinal dysplasia; RETINAL BLINDNESS, CONGENITAL; AMAUROSIS CONGENITA OF LEBER I. Identifiers: Orphanet 65, MedGen C2931258, MONDO:0008764, OMIM 204000.
Cone-rod dystrophy 6 (CORD6). Also called: RETINAL CONE DYSTROPHY 2; Cone dystrophy progressive. Identifiers: Orphanet 1872, MedGen C1866293, MONDO:0011143, OMIM 601777.

Submission:

Labcorp Genetics (formerly Invitae), Labcorp
Classification: Uncertain significance for Leber congenital amaurosis 1; Cone-rod dystrophy 6. Last evaluated: 2022-10-03. Review status: criteria provided, single submitter. Criteria: Invitae Variant Classification Sherloc (09022015). Collection method: clinical testing. Allele origin: germline.
Comment: ClinVar contains an entry for this variant (Variation ID: 1490869). This sequence change replaces glutamine, which is neutral and polar, with proline, which is neutral and non-polar, at codon 256 of the GUCY2D protein (p.Gln256Pro). This variant is not present in population databases (gnomAD no frequency). This variant has not been reported in the literature in individuals affected with GUCY2D-related conditions. Advanced modeling of protein sequence and biophysical properties (such as structural, functional, and spatial information, amino acid conservation, physicochemical variation, residue mobility, and thermodynamic stability) has been performed at Invitae for this missense variant, however the output from this modeling did not meet the statistical confidence thresholds required to predict the impact of this variant on GUCY2D protein function. In summary, the available evidence is currently insufficient to determine the role of this variant in disease. Therefore, it has been classified as a Variant of Uncertain Significance.